The following is an entry in ClinVar:

ClinVar aggregate classification (germline): Uncertain significance. Review status: criteria provided, multiple submitters, no conflicts (2 of 4 stars). 2 submissions from 2 submitters: Uncertain significance (2). Last evaluated 2024-05-21.

Conditions:
Inborn genetic diseases. Identifiers: MedGen C0950123, MeSH D030342.
COG1 congenital disorder of glycosylation (CDG2G). Also called: CDG IIg; CDGII/COG1 CEREBROCOSTOMANDIBULAR-LIKE SYNDROME; CONGENITAL DISORDER OF GLYCOSYLATION, TYPE IIg. Identifiers: Orphanet 263508, MedGen C2931011, MONDO:0012637, OMIM 611209.

Allele frequency attached by ClinVar (database versions not stated): gnomAD 0.00004 and 0.00006; TOPMed 0.00004; gnomAD exomes 0.00009 and 0.00011; ExAC 0.00017.
gnomAD v4.1: 145 of 1,614,128 alleles (0.009%); highest among the groups gnomAD compares: Non-Finnish European, 0.012%; no homozygotes.

Submissions (2):

Ambry Genetics
Classification: Uncertain significance for Inborn genetic diseases. Last evaluated: 2024-05-21. Review status: criteria provided, single submitter. Criteria: Ambry Variant Classification Scheme 2023. Collection method: clinical testing. Allele origin: germline.

Labcorp Genetics (formerly Invitae), Labcorp
Classification: Uncertain significance for COG1 congenital disorder of glycosylation. Last evaluated: 2021-11-11. Review status: criteria provided, single submitter. Criteria: Invitae Variant Classification Sherloc (09022015). Collection method: clinical testing. Allele origin: germline.
Comment: This sequence change replaces threonine, which is neutral and polar, with alanine, which is neutral and non-polar, at codon 964 of the COG1 protein (p.Thr964Ala). This variant is present in population databases (rs777073858, gnomAD 0.02%). This variant has not been reported in the literature in individuals affected with COG1-related conditions. Algorithms developed to predict the effect of missense changes on protein structure and function output the following: SIFT: "Tolerated"; PolyPhen-2: "Benign"; Align-GVGD: "Class C0". The alanine amino acid residue is found in multiple mammalian species, which suggests that this missense change does not adversely affect protein function. In summary, the available evidence is currently insufficient to determine the role of this variant in disease. Therefore, it has been classified as a Variant of Uncertain Significance.

NM_018714.3(COG1):c.2890A>G (p.Thr964Ala)

Genes: VCF1 (VCP nuclear cofactor family member 1; minus strand), COG1 (component of oligomeric golgi complex 1; plus strand). Cytogenetic location: 17q25.1.
Variant type: single nucleotide variant.
Coding change: c.2890A>G on transcript NM_018714.3 (MANE Select); coding-DNA position 2890, A replaced by G.
Protein change: p.Thr964Ala; replaces threonine 964 with alanine.
Molecular consequence: missense variant. On other transcripts: 3 prime UTR variant (5).
Genome position (GRCh38, 1-based): chr17:73,208,398, A>G. VCF-style: chr17-73208398-A-G. GRCh37 (hg19) VCF-style: chr17-71204537-A-G.
Other names: c.*1131T>C (NM_001098832.2, NM_001289412.2, NM_032837.3); c.*1280T>C (NM_001289410.1, NM_001289411.1); short protein forms T964A.
Identifiers: ClinVar variation 1378235 (VCV001378235.4), dbSNP rs777073858, ClinGen allele CA8740699.